The following is an entry in ClinVar:

ClinVar aggregate classification (germline): Likely benign (1 of 4 stars; one submission).

Submission:

Mayo Clinic Laboratories, Mayo Clinic
Classification: Likely benign. Last evaluated: 2025-09-15. Review status: criteria provided, single submitter. Criteria: ACMG Guidelines, 2015. Collection method: clinical testing. Allele origin: germline. Observed: 1 variant allele.
Comment: BP4, BP7

NM_001195248.2(APTX):c.484-4_484-3dup

Gene: APTX (aprataxin; minus strand). Cytogenetic location: 9p21.1.
Variant type: Duplication.
Coding change: c.484-4_484-3dup on transcript NM_001195248.2 (MANE Select); 4 bases into the intron before coding-DNA position 484 through 3 bases into the intron before coding-DNA position 484, 2 bases duplicated (TT; older notation c.484-4_484-3dupTT).
Molecular consequence: intron variant.
Genome position (GRCh38, 1-based): chr9:32,986,033-32,986,034, AA duplicated on the plus strand (TT on the coding strand, the reverse complement: APTX is on the minus strand); duplicating any 2 consecutive bases within chr9:32,986,033-32,986,042 gives the same sequence; the c. name uses the placement nearest the transcript's 3' end. VCF-style (leftmost placement, unchanged base first): chr9-32986032-T-TAA. GRCh37 (hg19) VCF-style: chr9-32986030-T-TAA.
Other names: p.?; c.220-4_220-3dup (NM_001370670.1, NM_001370673.1, NM_001369002.1 and 5 more transcripts); c.484-4_484-3dup (NM_001368998.1, NM_001195249.2, NM_001368996.1 and 6 more transcripts); c.322-4_322-3dup (NM_001369001.1, NM_001369000.1, NM_001195250.2 and 1 more transcripts); c.268-4_268-3dup (NM_001195252.2).
Identifiers: ClinVar variation 4683389 (VCV004683389.1).